The following is an entry in ClinVar:

ClinVar aggregate classification (germline): Uncertain significance (1 of 4 stars; one submission).

Conditions:
Nizon-Isidor syndrome. Identifiers: MedGen C5394350, MONDO:0030030, OMIM 618872.

Submission:

MVZ Medizinische Genetik Mainz
Classification: Uncertain significance for Nizon-Isidor syndrome. Last evaluated: 2026-07-16. Review status: criteria provided, single submitter. Criteria: UK Practice Guidelines For Variant Classification V4 01 2020. Collection method: clinical testing. Allele origin: germline. Inheritance: Autosomal dominant inheritance. Affected: yes. Observed: 1 variant allele.
Comment: ACMG Criteria: PP3_MOD,PM2_SUP

NM_001393769.1(MED12L):c.2975T>G (p.Val992Gly)

Genes: MED12L (mediator complex subunit 12L; plus strand), P2RY12 (purinergic receptor P2Y12; minus strand). Cytogenetic location: 3q25.1.
Variant type: single nucleotide variant.
Coding change: c.2975T>G on transcript NM_001393769.1 (MANE Select); coding-DNA position 2975, T replaced by G.
Protein change: p.Val992Gly; replaces valine 992 with glycine.
Molecular consequence: missense variant. On other transcripts: intron variant (1).
Genome position (GRCh38, 1-based): chr3:151,364,996, T>G. VCF-style: chr3-151364996-T-G. GRCh37 (hg19) VCF-style: chr3-151082784-T-G.
Other names: c.2870T>G, p.Val957Gly (NM_053002.6); c.-180+19696A>C (NM_022788.5); short protein forms V957G, V992G.
Identifiers: ClinVar variation 4879875 (VCV004879875.1).